The following is an entry in ClinVar:

NM_022124.6(CDH23):c.4096G>A (p.Ala1366Thr)

Genes: C10orf105 (chromosome 10 open reading frame 105; minus strand), CDH23 (cadherin related 23; plus strand). Cytogenetic location: 10q22.1.
Variant type: single nucleotide variant.
Coding change: c.4096G>A on transcript NM_022124.6 (MANE Select); coding-DNA position 4096, G replaced by A.
Protein change: p.Ala1366Thr; replaces alanine 1366 with threonine.
Molecular consequence: missense variant. On other transcripts: intron variant (1).
Genome position (GRCh38, 1-based): chr10:71,732,367, G>A. VCF-style: chr10-71732367-G-A. GRCh37 (hg19) VCF-style: chr10-73492124-G-A.
Other names: c.4096G>A, p.Ala1366Thr (NM_001171930.2); c.-6+5361C>T (NM_001168390.2); short protein forms A1366T.
Identifiers: ClinVar variation 964377 (VCV000964377.8), dbSNP rs1166886985, ClinGen allele CA377157007.
Genomic context (GRCh38, chr10:71,732,367, plus strand): 5'-ATCACGTACCGCTTCAACGCCTACACCAGCACCCAGGCCAAAGCCCTCTTCAAGATAGAC[G>A]CCATCACGGTGAGGGGCTGGGGGCAGGGAGCACCATTTCTTCCAATCTAACCAACATTGG-3'
Protein context (NP_071407.4, residues 1356-1376): TQAKALFKID[Ala1366Thr]ITGVITVQGL

ClinVar aggregate classification (germline): Uncertain significance. Review status: criteria provided, single submitter (1 of 4 stars). 2 submissions from 2 submitters: Uncertain significance (1). 1 of the submissions does not count toward it. Last evaluated 2022-06-10.

Conditions:
Usher syndrome type 1 (USH1). Also called: RETINITIS PIGMENTOSA AND CONGENITAL DEAFNESS. Identifiers: Orphanet 231169, Orphanet 886, MedGen C1568247, MONDO:0010168, OMIM 276900.

Allele frequency attached by ClinVar (database versions not stated): gnomAD exomes 0.00001; gnomAD 0.00001; TOPMed 0.00001.
gnomAD v4.1: 13 of 1,562,616 alleles (0.00083%); highest among the groups gnomAD compares: African/African-American, 0.0041%; no homozygotes.

Submissions (2):

Labcorp Genetics (formerly Invitae), Labcorp
Classification: Uncertain significance. Last evaluated: 2022-06-10. Review status: criteria provided, single submitter. Criteria: Invitae Variant Classification Sherloc (09022015). Collection method: clinical testing. Allele origin: germline.
Comment: This sequence change replaces alanine, which is neutral and non-polar, with threonine, which is neutral and polar, at codon 1366 of the CDH23 protein (p.Ala1366Thr). The frequency data for this variant in the population databases is considered unreliable, as metrics indicate poor data quality at this position in the gnomAD database. This variant has not been reported in the literature in individuals affected with CDH23-related conditions. ClinVar contains an entry for this variant (Variation ID: 964377). Algorithms developed to predict the effect of missense changes on protein structure and function are either unavailable or do not agree on the potential impact of this missense change (SIFT: "Deleterious"; PolyPhen-2: "Not Available"; Align-GVGD: "Class C0"). In summary, the available evidence is currently insufficient to determine the role of this variant in disease. Therefore, it has been classified as a Variant of Uncertain Significance.

Natera, Inc.
Classification: Uncertain significance for Usher syndrome type 1. Last evaluated: 2021-03-11. Review status: no assertion criteria provided. Collection method: clinical testing. Allele origin: germline. Not counted in ClinVar's aggregate classification.